The following is an entry in ClinVar:

ClinVar aggregate classification (germline): Uncertain significance (1 of 4 stars; one submission).

Conditions:
Vici syndrome (VICIS). Identifiers: Orphanet 1493, MedGen C1855772, MONDO:0009452, OMIM 242840.

Allele frequency attached by ClinVar (database versions not stated): gnomAD exomes below 0.00001.
gnomAD v4.1: 1 of 1,613,930 alleles (0.000062%); highest among the groups gnomAD compares: Non-Finnish European, 0.000085%; no homozygotes.

Submission:

Labcorp Genetics (formerly Invitae), Labcorp
Classification: Uncertain significance for Vici syndrome. Last evaluated: 2019-03-17. Review status: criteria provided, single submitter. Criteria: Invitae Variant Classification Sherloc (09022015). Collection method: clinical testing. Allele origin: germline.
Comment: This sequence change replaces leucine with histidine at codon 2429 of the EPG5 protein (p.Leu2429His). The leucine residue is moderately conserved and there is a moderate physicochemical difference between leucine and histidine. This variant is not present in population databases (ExAC no frequency). This variant has not been reported in the literature in individuals with EPG5-related conditions. Algorithms developed to predict the effect of missense changes on protein structure and function are either unavailable or do not agree on the potential impact of this missense change (SIFT: "Tolerated"; PolyPhen-2: "Possibly Damaging"; Align-GVGD: "Class C0"). In summary, the available evidence is currently insufficient to determine the role of this variant in disease. Therefore, it has been classified as a Variant of Uncertain Significance.

NM_020964.3(EPG5):c.7286T>A (p.Leu2429His)

Gene: EPG5 (ectopic P-granules 5 autophagy tethering factor; minus strand). Cytogenetic location: 18q12.3.
Variant type: single nucleotide variant.
Coding change: c.7286T>A on transcript NM_020964.3 (MANE Select); coding-DNA position 7286, T replaced by A.
Protein change: p.Leu2429His; replaces leucine 2429 with histidine.
Molecular consequence: missense variant.
Genome position (GRCh38, 1-based): chr18:45,858,009, A>T on the plus strand (T>A on the coding strand, the complement: EPG5 is on the minus strand). VCF-style: chr18-45858009-A-T. GRCh37 (hg19) VCF-style: chr18-43437974-A-T.
Other names: short protein forms L2429H.
Identifiers: ClinVar variation 840618 (VCV000840618.2), dbSNP rs2048553005, ClinGen allele CA402336097.